The following is an entry in ClinVar:

NM_015650.4(TRAF3IP1):c.875A>T (p.Asp292Val)

Gene: TRAF3IP1 (TRAF3 interacting protein 1; plus strand). Cytogenetic location: 2q37.3.
Variant type: single nucleotide variant.
Coding change: c.875A>T on transcript NM_015650.4 (MANE Select); coding-DNA position 875, A replaced by T.
Protein change: p.Asp292Val; replaces aspartic acid 292 with valine.
Molecular consequence: missense variant.
Genome position (GRCh38, 1-based): chr2:238,329,302, A>T. VCF-style: chr2-238329302-A-T. GRCh37 (hg19) VCF-style: chr2-239237943-A-T.
Other names: c.875A>T, p.Asp292Val (NM_001139490.1); short protein forms D292V.
Identifiers: ClinVar variation 839090 (VCV000839090.5), dbSNP rs752716262, ClinGen allele CA2198160.

ClinVar aggregate classification (germline): Uncertain significance (1 of 4 stars; one submission).

Allele frequency attached by ClinVar (database versions not stated): ExAC 0.00003; gnomAD 0.00003; gnomAD exomes 0.00003; TOPMed 0.00003.
gnomAD v4.1: 45 of 1,448,984 alleles (0.0031%); highest among the groups gnomAD compares: Admixed American, 0.02%; no homozygotes.

Submission:

Labcorp Genetics (formerly Invitae), Labcorp
Classification: Uncertain significance. Last evaluated: 2025-01-30. Review status: criteria provided, single submitter. Criteria: Invitae Variant Classification Sherloc (09022015). Collection method: clinical testing. Allele origin: germline.
Comment: This sequence change replaces aspartic acid, which is acidic and polar, with valine, which is neutral and non-polar, at codon 292 of the TRAF3IP1 protein (p.Asp292Val). This variant is present in population databases (rs752716262, gnomAD 0.02%). This variant has not been reported in the literature in individuals affected with TRAF3IP1-related conditions. ClinVar contains an entry for this variant (Variation ID: 839090). Invitae Evidence Modeling of protein sequence and biophysical properties (such as structural, functional, and spatial information, amino acid conservation, physicochemical variation, residue mobility, and thermodynamic stability) indicates that this missense variant is not expected to disrupt TRAF3IP1 protein function with a negative predictive value of 80%. In summary, the available evidence is currently insufficient to determine the role of this variant in disease. Therefore, it has been classified as a Variant of Uncertain Significance.